The following is an entry in ClinVar:

NM_014297.5(ETHE1):c.494A>G (p.Asp165Gly)

Gene: ETHE1 (ETHE1 persulfide dioxygenase; minus strand). Cytogenetic location: 19q13.31.
Variant type: single nucleotide variant.
Coding change: c.494A>G on transcript NM_014297.5 (MANE Select); coding-DNA position 494, A replaced by G.
Protein change: p.Asp165Gly; replaces aspartic acid 165 with glycine.
Molecular consequence: missense variant.
Genome position (GRCh38, 1-based): chr19:43,511,448, T>C on the plus strand (A>G on the coding strand, the complement: ETHE1 is on the minus strand). VCF-style: chr19-43511448-T-C. GRCh37 (hg19) VCF-style: chr19-44015600-T-C.
Other names: c.494A>G (NM_014297.4); c.461A>G, p.Asp154Gly (NM_001320867.2); c.125A>G, p.Asp42Gly (NM_001320868.2); c.200A>G, p.Asp67Gly (NM_001320869.2); short protein forms D165G, D154G, D67G, D42G.
Identifiers: ClinVar variation 435094 (VCV000435094.17), dbSNP rs756235299, ClinGen allele CA9487848.

ClinVar aggregate classification (germline): Likely pathogenic. Review status: criteria provided, multiple submitters, no conflicts (2 of 4 stars). 7 submissions from 7 submitters: Likely pathogenic (7). Last evaluated 2024-12-05.

Conditions:
ETHE1-related disorders.
Ethylmalonic encephalopathy (EE). Also called: EPEMA syndrome; Encephalopathy, petechiae, and ethylmalonic aciduria; Syndrome of encephalopathy, petechiae, and ethylmalonic aciduria. Identifiers: Orphanet 51188, MedGen C1865349, MONDO:0011229, OMIM 602473. Disease mechanism: loss of function.

Allele frequency attached by ClinVar (database versions not stated): gnomAD exomes 0.00001; ExAC 0.00002.
gnomAD v4.1: 37 of 1,614,058 alleles (0.0023%); highest among the groups gnomAD compares: Non-Finnish European, 0.003%; no homozygotes.

Submissions (7):

Natera, Inc.
Classification: Likely pathogenic for Ethylmalonic encephalopathy. Last evaluated: 2024-12-05. Review status: criteria provided, single submitter. Criteria: Natera Variant Classification Schema (03/2026). Collection method: clinical testing. Allele origin: germline.
Comment: The c.494A>G variant in ETHE1 is a missense variant predicted to cause substitution of aspartic acid to glycine at amino acid 165. This variant is rare in the general population with a frequency below the threshold expected for the associated phenotype(s). This variant has been observed in one or more individuals affected with the associated recessive disease, as either homozygous or compound heterozygous with a second variant (PMID: 21472225). Functional studies show that this variant may disrupt protein function (PMID: 21410200, 31477743). Computational prediction algorithms indicate this variant is likely to affect gene or protein function. Given the available evidence, this variant is classified as Likely Pathogenic.

Labcorp Genetics (formerly Invitae), Labcorp
Classification: Likely pathogenic for Ethylmalonic encephalopathy. Last evaluated: 2024-06-03. Review status: criteria provided, single submitter. Criteria: Invitae Variant Classification Sherloc (09022015). Collection method: clinical testing. Allele origin: germline.
Comment: This sequence change replaces aspartic acid, which is acidic and polar, with glycine, which is neutral and non-polar, at codon 165 of the ETHE1 protein (p.Asp165Gly). This variant is present in population databases (rs756235299, gnomAD 0.002%). This missense change has been observed in individual(s) with ethylmalonic encephalopathy (PMID: 21472225). ClinVar contains an entry for this variant (Variation ID: 435094). Advanced modeling of protein sequence and biophysical properties (such as structural, functional, and spatial information, amino acid conservation, physicochemical variation, residue mobility, and thermodynamic stability) performed at Invitae indicates that this missense variant is expected to disrupt ETHE1 protein function with a positive predictive value of 80%. Experimental studies have shown that this missense change affects ETHE1 function (PMID: 31477743). This variant disrupts the p.Asp165 amino acid residue in ETHE1. Other variant(s) that disrupt this residue have been observed in individuals with ETHE1-related conditions (PMID: 21472225, 32111695), which suggests that this may be a clinically significant amino acid residue. In summary, the currently available evidence indicates that the variant is pathogenic, but additional data are needed to prove that conclusively. Therefore, this variant has been classified as Likely Pathogenic.

Fulgent Genetics
Classification: Likely pathogenic for Ethylmalonic encephalopathy. Last evaluated: 2024-03-06. Review status: criteria provided, single submitter. Criteria: ACMG Guidelines, 2015. Collection method: clinical testing. Allele origin: germline.

Baylor Genetics
Classification: Likely pathogenic for Ethylmalonic encephalopathy. Last evaluated: 2024-02-13. Review status: criteria provided, single submitter. Criteria: ACMG Guidelines, 2015. Collection method: clinical testing. Allele origin: unknown.

Blueprint Genetics
Classification: Likely pathogenic for ETHE1-related disorders. Last evaluated: 2022-06-13. Review status: criteria provided, single submitter. Criteria: ACMG Guidelines, 2015. Collection method: clinical testing. Allele origin: germline. Affected: yes. Observed: 4 variant alleles.

GeneDx
Classification: Likely pathogenic. Last evaluated: 2018-08-30. Review status: criteria provided, single submitter. Criteria: GeneDx Variant Classification (06012015). Collection method: clinical testing. Allele origin: germline. Affected: yes.
Comment: The D165G variant in the ETHE1 gene has previously been reported as homozygous in an individual with ethylmalonic encephalopathy (Walsh et al., 2010). The D165G variant is not observed at a significant frequency in large population cohorts (Lek et al., 2016; 1000 Genomes Consortium et al., 2015; Exome Variant Server). The D165G variant is a non-conservative amino acid substitution, which is likely to impact secondary protein structure as these residues differ in polarity, charge, size and/or other properties. This substitution occurs at a position that is conserved across species. In silico analysis predicts this variant is probably damaging to the protein structure/function. Missense variants in nearby residues (R163W, R163Q, T164K) have been reported in the Human Gene Mutation Database in association with ethylmalonic encephalopathy (Stenson et al., 2014), supporting the functional importance of this region of the protein. In summary, this variant is likely pathogenic; however, the possibility that it is benign cannot be excluded.

Genetic Services Laboratory, University of Chicago
Classification: Likely pathogenic for Ethylmalonic encephalopathy. Last evaluated: 2016-08-02. Review status: criteria provided, single submitter. Criteria: ACMG Guidelines, 2015. Collection method: clinical testing. Allele origin: germline. Affected: yes.

Literature cited by the submitters: PubMed 21472225 (cited by Natera, Inc. and Labcorp Genetics (formerly Invitae), Labcorp); PubMed 21410200 (cited by Natera, Inc.); PubMed 31477743 (cited by Natera, Inc. and Labcorp Genetics (formerly Invitae), Labcorp); PubMed 32111695 (cited by Labcorp Genetics (formerly Invitae), Labcorp).